The following is an entry in ClinVar:

ClinVar aggregate classification (germline): Uncertain significance. Review status: criteria provided, multiple submitters, no conflicts (2 of 4 stars). 3 submissions from 3 submitters: Uncertain significance (3). Last evaluated 2025-02-05.

Conditions:
Inborn genetic diseases. Identifiers: MedGen C0950123, MeSH D030342.
SLC12A1-related disorder. Also called: SLC12A1-related condition.

Allele frequency attached by ClinVar (database versions not stated): ExAC 0.00002; gnomAD 0.00004; TOPMed 0.00005; ESP Exome Variant Server 0.00008.
gnomAD v4.1: 204 of 1,610,888 alleles (0.013%); highest among the groups gnomAD compares: Non-Finnish European, 0.017%; no homozygotes.

Submissions (3):

PreventionGenetics, part of Exact Sciences
Classification: Uncertain significance for SLC12A1-related condition. Last evaluated: 2025-02-05. Review status: criteria provided, single submitter. Criteria: ACMG Guidelines, 2015. Collection method: clinical testing. Allele origin: germline.
Comment: The SLC12A1 c.2643C>A variant is predicted to result in the amino acid substitution p.Asn881Lys. To our knowledge, this variant has not been reported in the literature. This variant is reported in 0.0063% of alleles in individuals of European (non-Finnish) descent in gnomAD. At this time, the clinical significance of this variant is uncertain due to the absence of conclusive functional and genetic evidence.

Ambry Genetics
Classification: Uncertain significance for Inborn genetic diseases. Last evaluated: 2023-05-08. Review status: criteria provided, single submitter. Criteria: Ambry Variant Classification Scheme 2023. Collection method: clinical testing. Allele origin: germline.

Labcorp Genetics (formerly Invitae), Labcorp
Classification: Uncertain significance. Last evaluated: 2022-02-20. Review status: criteria provided, single submitter. Criteria: Invitae Variant Classification Sherloc (09022015). Collection method: clinical testing. Allele origin: germline.
Comment: This sequence change replaces asparagine, which is neutral and polar, with lysine, which is basic and polar, at codon 881 of the SLC12A1 protein (p.Asn881Lys). This variant is present in population databases (rs149766108, gnomAD 0.006%). This variant has not been reported in the literature in individuals affected with SLC12A1-related conditions. Algorithms developed to predict the effect of missense changes on protein structure and function (SIFT, PolyPhen-2, Align-GVGD) all suggest that this variant is likely to be tolerated. In summary, the available evidence is currently insufficient to determine the role of this variant in disease. Therefore, it has been classified as a Variant of Uncertain Significance.

NM_000338.3(SLC12A1):c.2643C>A (p.Asn881Lys)

Gene: SLC12A1 (solute carrier family 12 member 1; plus strand). Cytogenetic location: 15q21.1.
Variant type: single nucleotide variant.
Coding change: c.2643C>A on transcript NM_000338.3 (MANE Select); coding-DNA position 2643, C replaced by A.
Protein change: p.Asn881Lys; replaces asparagine 881 with lysine.
Molecular consequence: missense variant.
Genome position (GRCh38, 1-based): chr15:48,288,056, C>A. VCF-style: chr15-48288056-C-A. GRCh37 (hg19) VCF-style: chr15-48580253-C-A.
Other names: c.2643C>A, p.Asn881Lys (NM_001184832.2, NM_001384136.1); c.2643C>A (NM_000338.2); short protein forms N881K.
Identifiers: ClinVar variation 2175895 (VCV002175895.4), dbSNP rs149766108, ClinGen allele CA7547480.